The following is an entry in ClinVar:

NM_000093.5(COL5A1):c.2709T>C (p.Pro903=)

Gene: COL5A1 (collagen type V alpha 1 chain; plus strand). Cytogenetic location: 9q34.3.
Variant type: single nucleotide variant.
Coding change: c.2709T>C on transcript NM_000093.5 (MANE Select); coding-DNA position 2709, T replaced by C.
Protein change: p.Pro903=; no amino-acid change (proline 903 retained).
Molecular consequence: synonymous variant.
Genome position (GRCh38, 1-based): chr9:134,795,090, T>C. VCF-style: chr9-134795090-T-C. GRCh37 (hg19) VCF-style: chr9-137686936-T-C.
Other names: c.2709T>C, p.Pro903= (NM_001278074.1).
Identifiers: ClinVar variation 489118 (VCV000489118.10), dbSNP rs749844592, ClinGen allele CA5319554.

ClinVar aggregate classification (germline): Conflicting classifications of pathogenicity. Review status: criteria provided, conflicting classifications (1 of 4 stars). 4 submissions from 4 submitters: Uncertain significance (1); Benign (1); Likely benign (2). Last evaluated 2025-05-22.

Conditions:
Familial thoracic aortic aneurysm and aortic dissection (TAAD). Also called: Thoracic aortic aneurysms and dissections. Identifiers: Orphanet 91387, MedGen C4707243, MONDO:0019625.
Ehlers-Danlos syndrome, classic type, 1 (EDSCL1). Also called: Ehlers-Danlos syndrome, type 1; Ehlers-Danlos Syndrome, Classic Type, COL5A1-Related; EHLERS-DANLOS SYNDROME, SEVERE CLASSIC TYPE; EHLERS-DANLOS SYNDROME, GRAVIS TYPE; EDS I. Identifiers: MedGen C0268335, MONDO:0019567, OMIM 130000.

Allele frequency attached by ClinVar (database versions not stated): ExAC 0.00001; gnomAD 0.00001; gnomAD exomes 0.00001 and 0.00003; TOPMed 0.00001.
gnomAD v4.1: 16 of 1,613,878 alleles (0.00099%); highest among the groups gnomAD compares: Admixed American, 0.015%; no homozygotes.

Submissions (4):

Labcorp Genetics (formerly Invitae), Labcorp
Classification: Benign for Ehlers-Danlos syndrome, classic type, 1. Last evaluated: 2025-05-22. Review status: criteria provided, single submitter. Criteria: Invitae Variant Classification Sherloc (09022015). Collection method: clinical testing. Allele origin: germline.

Ambry Genetics
Classification: Likely benign for Familial thoracic aortic aneurysm and aortic dissection. Last evaluated: 2025-02-15. Review status: criteria provided, single submitter. Criteria: Ambry Variant Classification Scheme 2023. Collection method: clinical testing. Allele origin: germline.

Blueprint Genetics
Classification: Likely benign. Last evaluated: 2023-10-04. Review status: criteria provided, single submitter. Criteria: ACMG Guidelines, 2015. Collection method: clinical testing. Allele origin: germline.

GeneDx
Classification: Uncertain significance. Last evaluated: 2021-03-19. Review status: criteria provided, single submitter. Criteria: GeneDx Variant Classification Process June 2021. Collection method: clinical testing. Allele origin: germline. Affected: yes.
Comment: In silico analysis supports that this variant does not alter splicing; Has not been previously published as pathogenic or benign to our knowledge